The following is an entry in ClinVar:

NM_004168.4(SDHA):c.1236C>T (p.Gly412=)

Gene: SDHA (succinate dehydrogenase complex flavoprotein subunit A; plus strand). Cytogenetic location: 5p15.33.
Variant type: single nucleotide variant.
Coding change: c.1236C>T on transcript NM_004168.4 (MANE Select); coding-DNA position 1236, C replaced by T.
Protein change: p.Gly412=; no amino-acid change (glycine 412 retained).
Molecular consequence: synonymous variant.
Genome position (GRCh38, 1-based): chr5:235,315, C>T. VCF-style: chr5-235315-C-T. GRCh37 (hg19) VCF-style: chr5-235430-C-T.
Other names: c.1092C>T, p.Gly364= (NM_001294332.2); c.1236C>T, p.Gly412= (NM_001330758.2).
Identifiers: ClinVar variation 2024379 (VCV002024379.5), dbSNP rs1331649574, ClinGen allele CA442692030.

ClinVar aggregate classification (germline): Benign/Likely benign. Review status: criteria provided, multiple submitters, no conflicts (2 of 4 stars). 2 submissions from 2 submitters: Benign (1); Likely benign (1). Last evaluated 2025-03-10.

Conditions:
Pheochromocytoma/paraganglioma syndrome 5. Also called: Paragangliomas 5; SDHA-Related Hereditary Paraganglioma-Pheochromocytoma Syndrome. Identifiers: Orphanet 29072, MedGen C3279992, MONDO:0013602, OMIM 614165.
Mitochondrial complex II deficiency, nuclear type 1. Also called: SUCCINATE CoQ REDUCTASE DEFICIENCY. Identifiers: Orphanet 3208, MedGen C5700310, MONDO:0100294, OMIM 252011.

Allele frequency attached by ClinVar (database versions not stated): gnomAD exomes below 0.00001; gnomAD 0.00001; TOPMed 0.00001.
gnomAD v4.1: 2 of 1,614,120 alleles (0.00012%); highest among the groups gnomAD compares: African/African-American, 0.0013%; no homozygotes.

Submissions (2):

Myriad Genetics, Inc.
Classification: Benign for Pheochromocytoma/paraganglioma syndrome 5. Last evaluated: 2025-03-10. Review status: criteria provided, single submitter. Criteria: Myriad Autosomal Dominant, Autosomal Recessive and X-Linked Classification Criteria (2023). Collection method: clinical testing. Allele origin: unknown.
Comment: This variant is considered benign. This variant is a silent/synonymous amino acid change and it is not expected to impact splicing.

Labcorp Genetics (formerly Invitae), Labcorp
Classification: Likely benign for Pheochromocytoma/paraganglioma syndrome 5; Mitochondrial complex II deficiency, nuclear type 1. Last evaluated: 2023-11-22. Review status: criteria provided, single submitter. Criteria: Invitae Variant Classification Sherloc (09022015). Collection method: clinical testing. Allele origin: germline.